The following is an entry in ClinVar:

ClinVar aggregate classification (germline): Uncertain significance. Review status: criteria provided, multiple submitters, no conflicts (2 of 4 stars). 2 submissions from 2 submitters: Uncertain significance (2). Last evaluated 2021-09-01.

Conditions:
Cortical dysplasia-focal epilepsy syndrome (PTHSL1). Also called: Pitt-Hopkins-like syndrome 1. Identifiers: Orphanet 163681, Orphanet 221150, MedGen C2750246, MONDO:0012400, OMIM 610042.

gnomAD v4.1: 1 of 1,614,164 alleles (0.000062%); no homozygotes.

Submissions (2):

Labcorp Genetics (formerly Invitae), Labcorp
Classification: Uncertain significance for Cortical dysplasia-focal epilepsy syndrome. Last evaluated: 2021-09-01. Review status: criteria provided, single submitter. Criteria: Invitae Variant Classification Sherloc (09022015). Collection method: clinical testing. Allele origin: germline.
Comment: In summary, the available evidence is currently insufficient to determine the role of this variant in disease. Therefore, it has been classified as a Variant of Uncertain Significance. Algorithms developed to predict the effect of missense changes on protein structure and function output the following: SIFT: "Tolerated"; PolyPhen-2: "Benign"; Align-GVGD: "Class C0". The valine amino acid residue is found in multiple mammalian species, which suggests that this missense change does not adversely affect protein function. ClinVar contains an entry for this variant (Variation ID: 283792). This variant has not been reported in the literature in individuals affected with CNTNAP2-related conditions. This variant is not present in population databases (ExAC no frequency). This sequence change replaces isoleucine with valine at codon 675 of the CNTNAP2 protein (p.Ile675Val). The isoleucine residue is moderately conserved and there is a small physicochemical difference between isoleucine and valine.

Eurofins Ntd Llc (ga)
Classification: Uncertain significance. Last evaluated: 2015-10-16. Review status: criteria provided, single submitter. Criteria: EGL Classification Definitions 2015. Collection method: clinical testing. Allele origin: germline. Observed: 1 variant allele, 1 heterozygote.

NM_014141.6(CNTNAP2):c.2023A>G (p.Ile675Val)

Gene: CNTNAP2 (contactin associated protein 2; plus strand). Cytogenetic location: 7q35.
Variant type: single nucleotide variant.
Coding change: c.2023A>G on transcript NM_014141.6 (MANE Select); coding-DNA position 2023, A replaced by G.
Protein change: p.Ile675Val; replaces isoleucine 675 with valine.
Molecular consequence: missense variant.
Genome position (GRCh38, 1-based): chr7:147,639,231, A>G. VCF-style: chr7-147639231-A-G. GRCh37 (hg19) VCF-style: chr7-147336323-A-G.
Other names: short protein forms I675V.
Identifiers: ClinVar variation 283792 (VCV000283792.8), dbSNP rs886042710, ClinGen allele CA10604593.